The following is an entry in ClinVar:

NM_015488.5(PNKD):c.528C>A (p.Asp176Glu)

Genes: CATIP-AS2 (CATIP antisense RNA 2; minus strand), PNKD (PNKD metallo-beta-lactamase domain containing; plus strand). Cytogenetic location: 2q35.
Variant type: single nucleotide variant.
Coding change: c.528C>A on transcript NM_015488.5 (MANE Select); coding-DNA position 528, C replaced by A.
Protein change: p.Asp176Glu; replaces aspartic acid 176 with glutamic acid.
Molecular consequence: missense variant.
Genome position (GRCh38, 1-based): chr2:218,341,537, C>A. VCF-style: chr2-218341537-C-A. GRCh37 (hg19) VCF-style: chr2-219206260-C-A.
Other names: c.456C>A, p.Asp152Glu (NM_022572.5); short protein forms D152E, D176E.
Identifiers: ClinVar variation 2859051 (VCV002859051.3), dbSNP rs2469466349, ClinGen allele CA350540272.

ClinVar aggregate classification (germline): Uncertain significance (1 of 4 stars; one submission).

Conditions:
Paroxysmal nonkinesigenic dyskinesia. Also called: Paroxysmal non-kinesigenic dyskinesia. Identifiers: Orphanet 98810, MedGen C1869117, MONDO:0700088.

Submission:

Labcorp Genetics (formerly Invitae), Labcorp
Classification: Uncertain significance for Paroxysmal nonkinesigenic dyskinesia. Last evaluated: 2023-04-25. Review status: criteria provided, single submitter. Criteria: Invitae Variant Classification Sherloc (09022015). Collection method: clinical testing. Allele origin: germline.
Comment: This sequence change replaces aspartic acid, which is acidic and polar, with glutamic acid, which is acidic and polar, at codon 176 of the PNKD protein (p.Asp176Glu). In summary, the available evidence is currently insufficient to determine the role of this variant in disease. Therefore, it has been classified as a Variant of Uncertain Significance. Advanced modeling of protein sequence and biophysical properties (such as structural, functional, and spatial information, amino acid conservation, physicochemical variation, residue mobility, and thermodynamic stability) performed at Invitae indicates that this missense variant is expected to disrupt PNKD protein function. This variant has not been reported in the literature in individuals affected with PNKD-related conditions. This variant is not present in population databases (gnomAD no frequency).